The following is an entry in ClinVar:

ClinVar aggregate classification (germline): Uncertain significance (1 of 4 stars; one submission).

Submission:

Labcorp Genetics (formerly Invitae), Labcorp
Classification: Uncertain significance. Last evaluated: 2022-07-06. Review status: criteria provided, single submitter. Criteria: Invitae Variant Classification Sherloc (09022015). Collection method: clinical testing. Allele origin: germline.
Comment: In summary, the available evidence is currently insufficient to determine the role of this variant in disease. Therefore, it has been classified as a Variant of Uncertain Significance. Advanced modeling of protein sequence and biophysical properties (such as structural, functional, and spatial information, amino acid conservation, physicochemical variation, residue mobility, and thermodynamic stability) performed at Invitae indicates that this missense variant is not expected to disrupt LRP2 protein function. This sequence change replaces valine, which is neutral and non-polar, with leucine, which is neutral and non-polar, at codon 4543 of the LRP2 protein (p.Val4543Leu). This variant is not present in population databases (gnomAD no frequency). This variant has not been reported in the literature in individuals affected with LRP2-related conditions.

NM_004525.3(LRP2):c.13627G>C (p.Val4543Leu)

Gene: LRP2 (LDL receptor related protein 2; minus strand). Cytogenetic location: 2q31.1.
Variant type: single nucleotide variant.
Coding change: c.13627G>C on transcript NM_004525.3 (MANE Select); coding-DNA position 13627, G replaced by C.
Protein change: p.Val4543Leu; replaces valine 4543 with leucine.
Molecular consequence: missense variant.
Genome position (GRCh38, 1-based): chr2:169,132,675, C>G on the plus strand (G>C on the coding strand, the complement: LRP2 is on the minus strand). VCF-style: chr2-169132675-C-G. GRCh37 (hg19) VCF-style: chr2-169989185-C-G.
Other names: short protein forms V4543L.
Identifiers: ClinVar variation 1399539 (VCV001399539.8), dbSNP rs1685338537, ClinGen allele CA349151191.